The following is an entry in ClinVar:

NM_000026.4(ADSL):c.643G>C (p.Asp215His)

Gene: ADSL (adenylosuccinate lyase; plus strand). Cytogenetic location: 22q13.1.
Variant type: single nucleotide variant.
Coding change: c.643G>C on transcript NM_000026.4 (MANE Select); coding-DNA position 643, G replaced by C.
Protein change: p.Asp215His; replaces aspartic acid 215 with histidine.
Molecular consequence: missense variant. On other transcripts: non-coding transcript variant (1).
Genome position (GRCh38, 1-based): chr22:40,359,024, G>C. VCF-style: chr22-40359024-G-C. GRCh37 (hg19) VCF-style: chr22-40755028-G-C.
Other names: c.643G>C, p.Asp215His (NM_001123378.3, NM_001363840.3, NM_001410812.1 and 1 more transcripts); c.451G>C, p.Asp151His (NM_001317923.2); c.598G>C, p.Asp200His (NM_001410814.1); short protein forms D151H, D200H, D215H.
Identifiers: ClinVar variation 4759349 (VCV004759349.1).

ClinVar aggregate classification (germline): Likely pathogenic (1 of 4 stars; one submission).

Conditions:
Adenylosuccinate lyase deficiency (ADSLD). Also called: ADSL DEFICIENCY. Identifiers: Orphanet 46, MedGen C0268126, MONDO:0007068, OMIM 103050.

Submission:

Intergen Genetics and Rare Diseases Diagnosis Center
Classification: Likely pathogenic for Adenylosuccinate lyase deficiency. Last evaluated: 2026-02-10. Review status: criteria provided, single submitter. Criteria: ACMG Guidelines, 2015. Collection method: clinical testing. Allele origin: germline. Inheritance: Autosomal recessive inheritance. Affected: yes. Observed: 2 homozygotes.
Comment: This variant was identified in the homozygous state in two related patients presenting with a highly specific clinical phenotype consistent with adenylosuccinate lyase deficiency, including global developmental delay, seizures, mental deterioration and motor delay. The variant is absent from population databases (PM2), predicted to be deleterious by multiple in silico tools (PP3), and ADSL is a gene in which missense variants are a common disease mechanism (PP2). Given the strong phenotypic concordance, PP4 was applied. Based on the cumulative evidence, the variant is classified as Likely Pathogenic.